The following is an entry in ClinVar:

ClinVar aggregate classification (germline): Uncertain significance. Review status: criteria provided, multiple submitters, no conflicts (2 of 4 stars). 2 submissions from 2 submitters: Uncertain significance (2). Last evaluated 2026-07-01.

Conditions:
Glycogen storage disease, type II (IOPD). Also called: CARDIOMEGALIA GLYCOGENICA DIFFUSA; GLYCOGENOSIS, GENERALIZED, CARDIAC FORM; GSD II; Glycogen storage disease type 2; Acid maltase deficiency disease; Aglucosidase alfa. Identifiers: Orphanet 365, MedGen C0017921, MONDO:0009290, OMIM 232300.

Submissions (2):

Genomenon, Inc
Classification: Uncertain significance for Glycogen storage disease, type II. Last evaluated: 2026-07-01. Review status: criteria provided, single submitter. Criteria: Genomenon Sequence Variant Interpretation Standards - Updated. Collection method: curation. Allele origin: germline. Affected: yes.
Comment: GAA c.1636+5G>T is an intronic variant located in the donor splice region of intron 11. This variant has been observed in at least one proband with a GAA-related disorder (PMID:25243733). Splicing studies have been reported (PMID:18425781;25243733). It is absent or not present at a significant frequency in gnomAD. In silico models predict that this variant is possibly or probably damaging. In conclusion, we classify GAA c.1636+5G>T as a variant of uncertain significance.

Blueprint Genetics
Classification: Uncertain significance. Last evaluated: 2020-10-27. Review status: criteria provided, single submitter. Criteria: ACMG Guidelines, 2015. Collection method: clinical testing. Allele origin: germline.

Literature cited by the submitters: PubMed 25243733 (cited by Genomenon, Inc); PubMed 18425781 (cited by Genomenon, Inc).

NM_000152.5(GAA):c.1636+5G>T

Gene: GAA (alpha glucosidase; plus strand). Cytogenetic location: 17q25.3.
Variant type: single nucleotide variant.
Coding change: c.1636+5G>T on transcript NM_000152.5 (MANE Select); 5 bases into the intron after coding-DNA position 1636, G replaced by T.
Molecular consequence: intron variant.
Genome position (GRCh38, 1-based): chr17:80,111,030, G>T. VCF-style: chr17-80111030-G-T. GRCh37 (hg19) VCF-style: chr17-78084829-G-T.
Other names: c.1636+5G>T (NM_001406741.1, NM_001406742.1, NM_001079803.3 and 1 more transcripts).
Identifiers: ClinVar variation 4876313 (VCV004876313.2).